The following is an entry in ClinVar:

ClinVar aggregate classification (germline): Uncertain significance (1 of 4 stars; one submission).

Submission:

Labcorp Genetics (formerly Invitae), Labcorp
Classification: Uncertain significance. Last evaluated: 2025-05-04. Review status: criteria provided, single submitter. Criteria: Invitae Variant Classification Sherloc (09022015). Collection method: clinical testing. Allele origin: germline.
Comment: This sequence change replaces serine, which is neutral and polar, with tyrosine, which is neutral and polar, at codon 373 of the FN1 protein (p.Ser373Tyr). This variant is not present in population databases (gnomAD no frequency). This variant has not been reported in the literature in individuals affected with FN1-related conditions. An algorithm developed to predict the effect of missense changes on protein structure and function (PolyPhen-2) suggests that this variant is likely to be disruptive. In summary, the available evidence is currently insufficient to determine the role of this variant in disease. Therefore, it has been classified as a Variant of Uncertain Significance.

NM_212482.4(FN1):c.1118C>A (p.Ser373Tyr)

Genes: FN1 (fibronectin 1; minus strand), LOC126806498 (CDK7 strongly-dependent group 2 enhancer GRCh37_chr2:216288045-216289244; plus strand). Cytogenetic location: 2q35.
Variant type: single nucleotide variant.
Coding change: c.1118C>A on transcript NM_212482.4 (MANE Select); coding-DNA position 1118, C replaced by A.
Protein change: p.Ser373Tyr; replaces serine 373 with tyrosine.
Molecular consequence: missense variant.
Genome position (GRCh38, 1-based): chr2:215,424,244, G>T on the plus strand (C>A on the coding strand, the complement: FN1 is on the minus strand). VCF-style: chr2-215424244-G-T. GRCh37 (hg19) VCF-style: chr2-216288967-G-T.
Other names: c.1118C>A, p.Ser373Tyr (NM_001306129.2, NM_001306130.2, NM_001306131.2 and 14 more transcripts); short protein forms S373Y.
Identifiers: ClinVar variation 4695783 (VCV004695783.1).